The following is an entry in ClinVar:

NM_000222.3(KIT):c.541C>T (p.Arg181Trp)

Gene: KIT (KIT proto-oncogene, receptor tyrosine kinase; plus strand). Cytogenetic location: 4q12.
Variant type: single nucleotide variant.
Coding change: c.541C>T on transcript NM_000222.3 (MANE Select); coding-DNA position 541, C replaced by T.
Protein change: p.Arg181Trp; replaces arginine 181 with tryptophan.
Molecular consequence: missense variant.
Genome position (GRCh38, 1-based): chr4:54,698,487, C>T. VCF-style: chr4-54698487-C-T. GRCh37 (hg19) VCF-style: chr4-55564653-C-T.
Other names: c.541C>T, p.Arg181Trp (NM_001093772.2, NM_001385284.1, NM_001385285.1 and 4 more transcripts); short protein forms R181W.
Identifiers: ClinVar variation 1718628 (VCV001718628.7), dbSNP rs2109674102, ClinGen allele CA356897823.

ClinVar aggregate classification (germline): Uncertain significance. Review status: criteria provided, multiple submitters, no conflicts (2 of 4 stars). 2 submissions from 2 submitters: Uncertain significance (2). Last evaluated 2026-06-25.

Conditions:
Hereditary cancer-predisposing syndrome. Also called: Tumor predisposition; Hereditary neoplastic syndrome; Neoplastic Syndromes, Hereditary; Hereditary Cancer Syndrome. Identifiers: Orphanet 140162, MedGen C0027672, MeSH D009386, MONDO:0015356.
Gastrointestinal stromal tumor. Also called: Gastrointestinal stroma tumor; Gastrointestinal stromal tumor, somatic. Identifiers: Orphanet 44890, MedGen C0238198, MeSH D046152, MONDO:0011719, OMIM 606764, HP:0100723.

gnomAD v4.1: 1 of 1,614,188 alleles (0.000062%); highest among the groups gnomAD compares: Non-Finnish European, 0.000085%; no homozygotes.

Submissions (2):

Ambry Genetics
Classification: Uncertain significance for Hereditary cancer-predisposing syndrome. Last evaluated: 2026-06-25. Review status: criteria provided, single submitter. Criteria: Ambry Variant Classification Scheme 2023. Collection method: clinical testing. Allele origin: germline.
Comment: The p.R181W variant (also known as c.541C>T), located in coding exon 3 of the KIT gene, results from a C to T substitution at nucleotide position 541. The arginine at codon 181 is replaced by tryptophan, an amino acid with dissimilar properties. This amino acid position is not well conserved in available vertebrate species. In addition, the in silico prediction for this alteration is inconclusive. Based on the available evidence, the clinical significance of this variant remains unclear.

Labcorp Genetics (formerly Invitae), Labcorp
Classification: Uncertain significance for Gastrointestinal stromal tumor. Last evaluated: 2023-10-13. Review status: criteria provided, single submitter. Criteria: Invitae Variant Classification Sherloc (09022015). Collection method: clinical testing. Allele origin: germline.
Comment: This sequence change replaces arginine, which is basic and polar, with tryptophan, which is neutral and slightly polar, at codon 181 of the KIT protein (p.Arg181Trp). This variant is not present in population databases (gnomAD no frequency). This variant has not been reported in the literature in individuals affected with KIT-related conditions. ClinVar contains an entry for this variant (Variation ID: 1718628). An algorithm developed to predict the effect of missense changes on protein structure and function (PolyPhen-2) suggests that this variant is likely to be tolerated. In summary, the available evidence is currently insufficient to determine the role of this variant in disease. Therefore, it has been classified as a Variant of Uncertain Significance.